The following is an entry in ClinVar:

NM_001105206.3(LAMA4):c.2146G>A (p.Val716Ile)

Gene: LAMA4 (laminin subunit alpha 4; minus strand). Cytogenetic location: 6q21.
Variant type: single nucleotide variant.
Coding change: c.2146G>A on transcript NM_001105206.3 (MANE Select); coding-DNA position 2146, G replaced by A.
Protein change: p.Val716Ile; replaces valine 716 with isoleucine.
Molecular consequence: missense variant.
Genome position (GRCh38, 1-based): chr6:112,150,538, C>T on the plus strand (G>A on the coding strand, the complement: LAMA4 is on the minus strand). VCF-style: chr6-112150538-C-T. GRCh37 (hg19) VCF-style: chr6-112471740-C-T.
Other names: c.2125G>A, p.Val709Ile (NM_001105207.3, NM_002290.5); short protein forms V709I, V716I.
Identifiers: ClinVar variation 541235 (VCV000541235.12), dbSNP rs141742906, ClinGen allele CA3965578.

ClinVar aggregate classification (germline): Conflicting classifications of pathogenicity. Review status: criteria provided, conflicting classifications (1 of 4 stars). 3 submissions from 3 submitters: Uncertain significance (1); Likely benign (2). Last evaluated 2025-10-01.

Conditions:
Dilated cardiomyopathy 1JJ (CMD1JJ). Identifiers: Orphanet 154, MedGen C3808935, MONDO:0014095, OMIM 615235.
Cardiovascular phenotype. Identifiers: MedGen CN230736.

Allele frequency attached by ClinVar (database versions not stated): 1000 Genomes Project below 0.00001; gnomAD 0.00001 and 0.00003; TOPMed 0.00003; gnomAD exomes 0.00008 and 0.00017; ExAC 0.00022; 1000 Genomes Project 30x 0.00047.
gnomAD v4.1: 126 of 1,612,800 alleles (0.0078%); highest among the groups gnomAD compares: South Asian, 0.11%; 1 homozygote.

Submissions (3):

Labcorp Genetics (formerly Invitae), Labcorp
Classification: Likely benign for Dilated cardiomyopathy 1JJ. Last evaluated: 2025-10-01. Review status: criteria provided, single submitter. Criteria: Invitae Variant Classification Sherloc (09022015). Collection method: clinical testing. Allele origin: germline.

Ambry Genetics
Classification: Likely benign for Cardiovascular phenotype. Last evaluated: 2023-07-30. Review status: criteria provided, single submitter. Criteria: Ambry Variant Classification Scheme 2023. Collection method: clinical testing. Allele origin: germline.

GeneDx
Classification: Uncertain significance. Last evaluated: 2019-02-08. Review status: criteria provided, single submitter. Criteria: GeneDx Variant Classification Process June 2021. Collection method: clinical testing. Allele origin: germline. Affected: yes.
Comment: In silico analysis, which includes protein predictors and evolutionary conservation, supports that this variant does not alter protein structure/function; Reported as likely benign in ClinVar but additional evidence is not available (SCVSCV000773308.1; Landrum et al., 2016); Has not been previously published as pathogenic or benign to our knowledge